The following is an entry in ClinVar:

NM_006087.4(TUBB4A):c.*260G>C

Gene: TUBB4A (tubulin beta 4A class IVa; minus strand). Cytogenetic location: 19p13.3.
Variant type: single nucleotide variant.
Coding change: c.*260G>C on transcript NM_006087.4 (MANE Select); 260 bases downstream of the stop codon, G replaced by C.
Molecular consequence: 3 prime UTR variant.
Genome position (GRCh38, 1-based): chr19:6,494,904, C>G on the plus strand (G>C on the coding strand, the complement: TUBB4A is on the minus strand). VCF-style: chr19-6494904-C-G. GRCh37 (hg19) VCF-style: chr19-6494915-C-G.
Other names: c.*260G>C (NM_001289123.2, NM_001289127.2, NM_001289129.2 and 2 more transcripts).
Identifiers: ClinVar variation 330255 (VCV000330255.7), dbSNP rs3099129, ClinGen allele CA10652271.
Genomic context (GRCh38, chr19:6,494,904, plus strand): 5'-GTGAAGCAGAAGTCAGGGGTGAAGGAAGGTCTGCAAAGTTAAAGGTGCGGTTTCCAGAGT[C>G]AGAAGGGGTGAAGCGGGGCTCCTCCTGGGAATGTCAAGGTTGGAAGAGCTCAAGGGGGTT-3'

ClinVar aggregate classification (germline): Benign. Review status: criteria provided, multiple submitters, no conflicts (2 of 4 stars). 4 submissions from 3 submitters: Benign (4). Last evaluated 2018-06-19.

Conditions:
Torsion dystonia 4. Also called: DYT-TUBB4A (Autosomal Dominant Torsion Dystonia); DYSTONIA MUSCULORUM DEFORMANS 4. Identifiers: Orphanet 98805, MedGen C1851943, MONDO:0007493, OMIM 128101.
Leukodystrophy, hypomyelinating, 6. Also called: LEUKODYSTROPHY, HYPOMYELINATING, WITH ATROPHY OF THE BASAL GANGLIA AND CEREBELLUM; TUBB4A-Associated Leukodystrophy; Hypomyelination with Atrophy of Basal Ganglia and Cerebellum (H-ABC). Identifiers: Orphanet 139441, MedGen C2676244, MONDO:0012905, OMIM 612438.

Allele frequency attached by ClinVar (database versions not stated): TOPMed 0.50138; gnomAD 0.50619 and 0.51598; 1000 Genomes Project 30x 0.53716; 1000 Genomes Project 0.54752; gnomAD exomes 0.59193.
gnomAD v4.1: 325,350 of 570,170 alleles (57%); highest among the groups gnomAD compares: East Asian, 75%; 95,935 homozygotes.

Submissions (4):

GeneDx
Classification: Benign. Last evaluated: 2018-06-19. Review status: criteria provided, single submitter. Criteria: GeneDx Variant Classification Process June 2021. Collection method: clinical testing. Allele origin: germline. Affected: yes.

Illumina Laboratory Services, Illumina
Classification: Benign for Torsion dystonia 4. Last evaluated: 2017-04-27. Review status: criteria provided, single submitter. Criteria: ICSL Variant Classification Criteria 13 December 2019. Collection method: clinical testing. Allele origin: germline.
Comment: This variant was observed as part of a predisposition screen in an ostensibly healthy population. A literature search was performed for the gene, cDNA change, and amino acid change (where applicable). No publications were found based on this search. Allele frequency data from public databases was too high to be consistent with this variant causing disease. Therefore, this variant is classified as benign.

Illumina Laboratory Services, Illumina
Classification: Benign for Leukodystrophy, hypomyelinating, 6. Last evaluated: 2017-04-27. Review status: criteria provided, single submitter. Criteria: ICSL Variant Classification Criteria 13 December 2019. Collection method: clinical testing. Allele origin: germline.
Comment: the same text as in the submission from Illumina Laboratory Services, Illumina above.

Breakthrough Genomics
Classification: Benign. Review status: criteria provided, single submitter. Criteria: ACMG Guidelines, 2015. Collection method: not provided. Allele origin: germline. Inheritance: Autosomal dominant inheritance. Affected: yes.